The following is an entry in ClinVar:

ClinVar aggregate classification (germline): Uncertain significance (1 of 4 stars; one submission).

Conditions:
Hereditary breast ovarian cancer syndrome. Also called: Hereditary breast and ovarian cancer syndrome; Hereditary breast and ovarian cancer syndrome (HBOC); BRCA1- and BRCA2-Associated Hereditary Breast and Ovarian Cancer; Hereditary breast and ovarian cancer; Breast and ovarian cancer; Hereditary breast and/or ovarian cancer syndrome. Identifiers: Orphanet 145, MedGen C0677776, MeSH D061325, MONDO:0003582. Disease mechanism: loss of function.

Submission:

Labcorp Genetics (formerly Invitae), Labcorp
Classification: Uncertain significance for Hereditary breast ovarian cancer syndrome. Last evaluated: 2024-07-09. Review status: criteria provided, single submitter. Criteria: Invitae Variant Classification Sherloc (09022015). Collection method: clinical testing. Allele origin: germline.
Comment: This sequence change replaces threonine, which is neutral and polar, with alanine, which is neutral and non-polar, at codon 1684 of the BRCA2 protein (p.Thr1684Ala). This variant is not present in population databases (gnomAD no frequency). This variant has not been reported in the literature in individuals affected with BRCA2-related conditions. Advanced modeling of protein sequence and biophysical properties (such as structural, functional, and spatial information, amino acid conservation, physicochemical variation, residue mobility, and thermodynamic stability) performed at Invitae indicates that this missense variant is not expected to disrupt BRCA2 protein function with a negative predictive value of 95%. In summary, the available evidence is currently insufficient to determine the role of this variant in disease. Therefore, it has been classified as a Variant of Uncertain Significance.

NM_000059.4(BRCA2):c.5050A>G (p.Thr1684Ala)

Gene: BRCA2 (BRCA2 DNA repair associated; plus strand). Cytogenetic location: 13q13.1.
Variant type: single nucleotide variant.
Coding change: c.5050A>G on transcript NM_000059.4 (MANE Select); coding-DNA position 5050, A replaced by G.
Protein change: p.Thr1684Ala; replaces threonine 1684 with alanine.
Molecular consequence: missense variant. On other transcripts: non-coding transcript variant (1), intron variant (2).
Genome position (GRCh38, 1-based): chr13:32,339,405, A>G. VCF-style: chr13-32339405-A-G. GRCh37 (hg19) VCF-style: chr13-32913542-A-G.
Other names: c.5050A>G, p.Thr1684Ala (NM_001406719.1, NM_001406720.1, NM_001432077.1); c.1910-5153A>G (NM_001406721.1); c.425-5153A>G (NM_001406722.1); short protein forms T1684A.
Identifiers: ClinVar variation 3636487 (VCV003636487.2).